The following is an entry in ClinVar:

ClinVar aggregate classification (germline): Uncertain significance. Review status: criteria provided, multiple submitters, no conflicts (2 of 4 stars). 2 submissions from 2 submitters: Uncertain significance (2). Last evaluated 2025-01-15.

Conditions:
ALG12-congenital disorder of glycosylation (CDG1G). Also called: ALG12-CDG; CDG Ig; Congenital disorder of glycosylation, type Ig. Identifiers: Orphanet 79324, MedGen C2931001, MONDO:0011783, OMIM 607143.

Allele frequency attached by ClinVar (database versions not stated): gnomAD exomes 0.00009 and 0.00012; TOPMed 0.00011; ExAC 0.00012; gnomAD 0.00015 and 0.00017.

Submissions (2):

Labcorp Genetics (formerly Invitae), Labcorp
Classification: Uncertain significance for ALG12-congenital disorder of glycosylation. Last evaluated: 2025-01-15. Review status: criteria provided, single submitter. Criteria: Invitae Variant Classification Sherloc (09022015). Collection method: clinical testing. Allele origin: germline.
Comment: This sequence change replaces threonine, which is neutral and polar, with methionine, which is neutral and non-polar, at codon 361 of the ALG12 protein (p.Thr361Met). This variant is present in population databases (rs748537273, gnomAD 0.03%). This variant has not been reported in the literature in individuals affected with ALG12-related conditions. ClinVar contains an entry for this variant (Variation ID: 594408). Invitae Evidence Modeling of protein sequence and biophysical properties (such as structural, functional, and spatial information, amino acid conservation, physicochemical variation, residue mobility, and thermodynamic stability) indicates that this missense variant is not expected to disrupt ALG12 protein function with a negative predictive value of 80%. In summary, the available evidence is currently insufficient to determine the role of this variant in disease. Therefore, it has been classified as a Variant of Uncertain Significance.

Eurofins Ntd Llc (ga)
Classification: Uncertain significance. Last evaluated: 2017-10-05. Review status: criteria provided, single submitter. Criteria: EGL Classification Definitions 2015. Collection method: clinical testing. Allele origin: germline. Observed: 1 variant allele, 1 heterozygote.

NM_024105.4(ALG12):c.1082C>T (p.Thr361Met)

Gene: ALG12 (ALG12 alpha-1,6-mannosyltransferase; minus strand). Cytogenetic location: 22q13.33.
Variant type: single nucleotide variant.
Coding change: c.1082C>T on transcript NM_024105.4 (MANE Select); coding-DNA position 1082, C replaced by T.
Protein change: p.Thr361Met; replaces threonine 361 with methionine.
Molecular consequence: missense variant.
Genome position (GRCh38, 1-based): chr22:49,904,417, G>A on the plus strand (C>T on the coding strand, the complement: ALG12 is on the minus strand). VCF-style: chr22-49904417-G-A. GRCh37 (hg19) VCF-style: chr22-50298065-G-A.
Other names: short protein forms T361M.
Identifiers: ClinVar variation 594408 (VCV000594408.9), dbSNP rs748537273, ClinGen allele CA10300350.